The following is an entry in ClinVar:

NM_007294.4(BRCA1):c.5193+11G>T

Gene: BRCA1 (BRCA1 DNA repair associated; minus strand). Cytogenetic location: 17q21.31.
Variant type: single nucleotide variant.
Coding change: c.5193+11G>T on transcript NM_007294.4 (MANE Select); 11 bases into the intron after coding-DNA position 5193, G replaced by T.
Molecular consequence: intron variant.
Genome position (GRCh38, 1-based): chr17:43,063,322, C>A on the plus strand (G>T on the coding strand, the complement: BRCA1 is on the minus strand). VCF-style: chr17-43063322-C-A. GRCh37 (hg19) VCF-style: chr17-41215339-C-A.
Other names: c.4857+11G>T (NM_001407952.1, NM_001407950.1, NM_001407953.1 and 3 more transcripts); c.5046+11G>T (NM_001407841.1, NM_001407838.1, NM_001407848.1 and 12 more transcripts); c.4986+11G>T (NM_001407874.1, NM_001407875.1); c.1803+11G>T (NM_001408416.1, NM_001408414.1, NM_001408415.1 and 2 more transcripts); c.4980+11G>T (NM_001407571.1, NM_001407907.1, NM_001407902.1 and 12 more transcripts); c.4860+11G>T (NM_001407948.1, NM_001407947.1, NM_001407949.1 and 1 more transcripts); c.1671+11G>T (NM_001408484.1, NM_001408485.1, NM_001408483.1 and 5 more transcripts); c.1674+11G>T (NM_001408478.1, NM_001408480.1, NM_001408479.1); and 72 more.
Identifiers: ClinVar variation 628401 (VCV000628401.15), dbSNP rs1567768534, ClinGen allele CA913188789.

ClinVar aggregate classification (germline): Conflicting classifications of pathogenicity. Review status: criteria provided, conflicting classifications (1 of 4 stars). 3 submissions from 3 submitters: Uncertain significance (1); Likely benign (2). Last evaluated 2023-02-23.

Conditions:
Hereditary cancer-predisposing syndrome. Also called: Hereditary neoplastic syndrome; Tumor predisposition; Hereditary Cancer Syndrome; Neoplastic Syndromes, Hereditary. Identifiers: Orphanet 140162, MedGen C0027672, MeSH D009386, MONDO:0015356.
Hereditary breast ovarian cancer syndrome. Also called: Hereditary breast and ovarian cancer syndrome (HBOC); Hereditary breast and ovarian cancer; BRCA1- and BRCA2-Associated Hereditary Breast and Ovarian Cancer; Breast and ovarian cancer; Hereditary breast and ovarian cancer syndrome; Hereditary breast and/or ovarian cancer syndrome. Identifiers: Orphanet 145, MedGen C0677776, MeSH D061325, MONDO:0003582. Disease mechanism: loss of function.
Breast-ovarian cancer, familial, susceptibility to, 1 (BROVCA1). Also called: OVARIAN CANCER, SUSCEPTIBILITY TO; BRCA1 Hereditary Breast and Ovarian Cancer. Identifiers: Orphanet 145, MedGen C2676676, MONDO:0011450, OMIM 604370. Disease mechanism: loss of function.

gnomAD v4.1: 1 of 1,600,802 alleles (0.000062%); highest among the groups gnomAD compares: Non-Finnish European, 0.000086%; no homozygotes.

Submissions (4):

Labcorp Genetics (formerly Invitae), Labcorp
Classification: Likely benign for Hereditary breast ovarian cancer syndrome. Last evaluated: 2023-02-23. Review status: criteria provided, single submitter. Criteria: Invitae Variant Classification Sherloc (09022015). Collection method: clinical testing. Allele origin: germline.

Mendelics
Classification: Uncertain significance for Breast-ovarian cancer, familial, susceptibility to, 1. Last evaluated: 2019-05-28. Review status: criteria provided, single submitter. Criteria: Mendelics Assertion Criteria 2017. Collection method: clinical testing. Allele origin: unknown.

Color Diagnostics, LLC DBA Color Health
Classification: Likely benign for Hereditary cancer-predisposing syndrome. Last evaluated: 2018-05-17. Review status: criteria provided, single submitter. Criteria: ACMG Guidelines, 2015. Collection method: clinical testing. Allele origin: germline.

Brotman Baty Institute, University of Washington
No classification provided (evidence only). Condition: Breast-ovarian cancer, familial 1. Review status: no classification provided. Collection method: in vitro. Allele origin: not applicable. Functional consequence: functionally_normal. Not counted in ClinVar's aggregate classification.
ClinVar note: "not provided" was previously submitted as the classification for the variant. However, the classification appeared to be based only on an observation of functional data so it was converted to no classification on 2025-07-30.